The following is an entry in ClinVar:

ClinVar aggregate classification (germline): Uncertain significance (1 of 4 stars; one submission).

Conditions:
Mitochondrial DNA depletion syndrome 12B (cardiomyopathic type), autosomal recessive. Also called: Mitochondrial DNA depletion syndrome 12B (cardiomyopathic type) AR. Identifiers: Orphanet 1369, MedGen C3809443, MONDO:0014175, OMIM 615418.

gnomAD v4.1: 1 of 1,614,008 alleles (0.000062%); highest among the groups gnomAD compares: East Asian, 0.0022%; no homozygotes.

Submission:

3billion
Classification: Uncertain significance for Mitochondrial DNA depletion syndrome 12B (cardiomyopathic type), autosomal recessive. Last evaluated: 2023-10-16. Review status: criteria provided, single submitter. Criteria: ACMG Guidelines, 2015. Collection method: clinical testing. Allele origin: germline. Affected: yes.
Comment: The variant is observed at an extremely low frequency in the gnomAD v2.1.1 dataset (total allele frequency: 0.000%). Predicted Consequence/Location: Missense variant In silico tool predictions suggest damaging effect of the variant on gene or gene product [REVEL: 0.75 (>=0.6, sensitivity 0.68 and specificity 0.92)]. Therefore, this variant is classified as VUS according to the recommendation of ACMG/AMP guideline.

NM_001151.4(SLC25A4):c.597G>T (p.Lys199Asn)

Gene: SLC25A4 (solute carrier family 25 member 4; plus strand). Cytogenetic location: 4q35.1.
Variant type: single nucleotide variant.
Coding change: c.597G>T on transcript NM_001151.4 (MANE Select); coding-DNA position 597, G replaced by T.
Protein change: p.Lys199Asn; replaces lysine 199 with asparagine.
Molecular consequence: missense variant.
Genome position (GRCh38, 1-based): chr4:185,145,249, G>T. VCF-style: chr4-185145249-G-T. GRCh37 (hg19) VCF-style: chr4-186066403-G-T.
Other names: short protein forms K199N.
Identifiers: ClinVar variation 3775855 (VCV003775855.1).